The following is an entry in ClinVar:

NM_006214.4(PHYH):c.154G>A (p.Val52Ile)

Gene: PHYH (phytanoyl-CoA 2-hydroxylase; minus strand). Cytogenetic location: 10p13.
Variant type: single nucleotide variant.
Coding change: c.154G>A on transcript NM_006214.4 (MANE Select); coding-DNA position 154, G replaced by A.
Protein change: p.Val52Ile; replaces valine 52 with isoleucine.
Molecular consequence: missense variant. On other transcripts: 5 prime UTR variant (3).
Genome position (GRCh38, 1-based): chr10:13,295,587, C>T on the plus strand (G>A on the coding strand, the complement: PHYH is on the minus strand). VCF-style: chr10-13295587-C-T. GRCh37 (hg19) VCF-style: chr10-13337587-C-T.
Other names: c.154G>A (NM_006214.3); c.-147G>A (NM_001037537.2, NM_001323080.2, NM_001323084.2); c.154G>A, p.Val52Ile (NM_001323082.2, NM_001323083.2); short protein forms V52I.
Identifiers: ClinVar variation 2090805 (VCV002090805.5), dbSNP rs1283450349, ClinGen allele CA376037685.

ClinVar aggregate classification (germline): Uncertain significance. Review status: criteria provided, multiple submitters, no conflicts (2 of 4 stars). 2 submissions from 2 submitters: Uncertain significance (2). Last evaluated 2025-09-19.

Conditions:
PHYH-related disorder. Also called: PHYH-related condition.

Allele frequency attached by ClinVar (database versions not stated): gnomAD exomes below 0.00001; gnomAD 0.00001; TOPMed 0.00001.

Submissions (2):

PreventionGenetics, part of Exact Sciences
Classification: Uncertain significance for PHYH-related condition. Last evaluated: 2025-09-19. Review status: criteria provided, single submitter. Criteria: ACMG Guidelines, 2015. Collection method: clinical testing. Allele origin: germline.
Comment: The PHYH c.154G>A variant is predicted to result in the amino acid substitution p.Val52Ile. To our knowledge, this variant has not been reported in the literature. This variant is reported in 0.0029% of alleles in individuals of Latino descent in gnomAD. At this time, the clinical significance of this variant is uncertain due to the absence of conclusive functional and genetic evidence.

Labcorp Genetics (formerly Invitae), Labcorp
Classification: Uncertain significance. Last evaluated: 2022-07-12. Review status: criteria provided, single submitter. Criteria: Invitae Variant Classification Sherloc (09022015). Collection method: clinical testing. Allele origin: germline.
Comment: This variant has not been reported in the literature in individuals affected with PHYH-related conditions. This variant is present in population databases (no rsID available, gnomAD 0.003%). This sequence change replaces valine, which is neutral and non-polar, with isoleucine, which is neutral and non-polar, at codon 52 of the PHYH protein (p.Val52Ile). Algorithms developed to predict the effect of missense changes on protein structure and function output the following: SIFT: "Tolerated"; PolyPhen-2: "Benign"; Align-GVGD: "Class C0". The isoleucine amino acid residue is found in multiple mammalian species, which suggests that this missense change does not adversely affect protein function. In summary, the available evidence is currently insufficient to determine the role of this variant in disease. Therefore, it has been classified as a Variant of Uncertain Significance.